The following is an entry in ClinVar:

NM_003185.4(TAF4):c.2719C>T (p.Gln907Ter)

Gene: TAF4 (TATA-box binding protein associated factor 4; minus strand). Cytogenetic location: 20q13.33.
Variant type: single nucleotide variant.
Coding change: c.2719C>T on transcript NM_003185.4 (MANE Select); coding-DNA position 2719, C replaced by T.
Protein change: p.Gln907Ter; replaces glutamine 907 with a stop codon.
Molecular consequence: nonsense.
Genome position (GRCh38, 1-based): chr20:62,000,192, G>A on the plus strand (C>T on the coding strand, the complement: TAF4 is on the minus strand). VCF-style: chr20-62000192-G-A. GRCh37 (hg19) VCF-style: chr20-60575248-G-A.
Other names: short protein forms Q907*.
Identifiers: ClinVar variation 3173508 (VCV003173508.1), dbSNP rs2515981533, ClinGen allele CA409513582.

ClinVar aggregate classification (germline): Pathogenic (1 of 4 stars; one submission).

Conditions:
Inborn genetic diseases. Identifiers: MedGen C0950123, MeSH D030342.

Submission:

Ambry Genetics
Classification: Pathogenic for Inborn genetic diseases. Last evaluated: 2024-01-18. Review status: criteria provided, single submitter. Criteria: Ambry Variant Classification Scheme 2023. Collection method: clinical testing. Allele origin: germline.
Comment: The c.2719C>T (p.Q907*) alteration, located in exon 11 (coding exon 11) of the TAF4 gene, consists of a C to T substitution at nucleotide position 2719. This changes the amino acid from a glutamine (Q) to a stop codon at amino acid position 907. This alteration is expected to result in loss of function by premature protein truncation or nonsense-mediated mRNA decay. This variant was not reported in population-based cohorts in the Genome Aggregation Database (gnomAD). This variant has been determined to be the result of a de novo mutation in one individual from an autism spectrum disorder cohort (Zhou, 2022). Based on the available evidence, this alteration is classified as pathogenic.

Literature cited by the submitters: PubMed 35982159.